The following is an entry in ClinVar:

ClinVar aggregate classification (germline): Uncertain significance. Review status: criteria provided, multiple submitters, no conflicts (2 of 4 stars). 2 submissions from 2 submitters: Uncertain significance (2). Last evaluated 2026-01-21.

Conditions:
Severe early-onset pulmonary alveolar proteinosis due to MARS deficiency. Also called: PULMONARY ALVEOLAR PROTEINOSIS, REUNION ISLAND; Interstitial lung and liver disease. Identifiers: Orphanet 440427, MedGen C4225400, MONDO:0014206, OMIM 615486.
Charcot-Marie-Tooth disease axonal type 2U. Also called: CHARCOT-MARIE-TOOTH NEUROPATHY, TYPE 2U; CHARCOT-MARIE-TOOTH DISEASE, AXONAL, AUTOSOMAL DOMINANT, TYPE 2U. Identifiers: Orphanet 397735, MedGen C4084821, MONDO:0014566, OMIM 616280.

Allele frequency attached by ClinVar (database versions not stated): gnomAD exomes 0.00001.
gnomAD v4.1: 11 of 1,614,178 alleles (0.00068%); highest among the groups gnomAD compares: Non-Finnish European, 0.00076%; no homozygotes.

Submissions (2):

Labcorp Genetics (formerly Invitae), Labcorp
Classification: Uncertain significance for Charcot-Marie-Tooth disease axonal type 2U; Severe early-onset pulmonary alveolar proteinosis due to MARS deficiency. Last evaluated: 2026-01-21. Review status: criteria provided, single submitter. Criteria: Invitae Variant Classification Sherloc (09022015). Collection method: clinical testing. Allele origin: germline.
Comment: This sequence change replaces glutamic acid, which is acidic and polar, with lysine, which is basic and polar, at codon 27 of the MARS protein (p.Glu27Lys). This variant is not present in population databases (gnomAD no frequency). This missense change has been observed in individual(s) with MARS-related conditions (PMID: 32376792). ClinVar contains an entry for this variant (Variation ID: 1800437). An algorithm developed to predict the effect of missense changes on protein structure and function (PolyPhen-2) suggests that this variant is likely to be tolerated. In summary, the available evidence is currently insufficient to determine the role of this variant in disease. Therefore, it has been classified as a Variant of Uncertain Significance.

Ambry Genetics
Classification: Uncertain significance. Last evaluated: 2019-11-04. Review status: criteria provided, single submitter. Criteria: Ambry Variant Classification Scheme 2023. Collection method: clinical testing. Allele origin: germline.
Comment: The p.E27K variant (also known as c.79G>A), located in coding exon 1 of the MARS gene, results from a G to A substitution at nucleotide position 79. The glutamic acid at codon 27 is replaced by lysine, an amino acid with similar properties. This amino acid position is well conserved in available vertebrate species. In addition, this alteration is predicted to be tolerated by in silico analysis. Since supporting evidence is limited at this time, the clinical significance of this alteration remains unclear.

Literature cited by the submitters: PubMed 32376792 (cited by Labcorp Genetics (formerly Invitae), Labcorp).

NM_004990.4(MARS1):c.79G>A (p.Glu27Lys)

Genes: ARHGAP9 (Rho GTPase activating protein 9; minus strand), MARS1 (methionyl-tRNA synthetase 1; plus strand). Cytogenetic location: 12q13.3.
Variant type: single nucleotide variant.
Coding change: c.79G>A on transcript NM_004990.4 (MANE Select); coding-DNA position 79, G replaced by A.
Protein change: p.Glu27Lys; replaces glutamic acid 27 with lysine.
Molecular consequence: missense variant. On other transcripts: intron variant (1).
Genome position (GRCh38, 1-based): chr12:57,488,169, G>A. VCF-style: chr12-57488169-G-A. GRCh37 (hg19) VCF-style: chr12-57881952-G-A.
Other names: c.-204+443C>T (NM_001319850.2); short protein forms E27K.
Identifiers: ClinVar variation 1800437 (VCV001800437.3), dbSNP rs1565635709, ClinGen allele CA385490081.